The following is an entry in ClinVar:

NM_001999.4(FBN2):c.1888G>A (p.Gly630Arg)

Gene: FBN2 (fibrillin 2; minus strand). Cytogenetic location: 5q23.3.
Variant type: single nucleotide variant.
Coding change: c.1888G>A on transcript NM_001999.4 (MANE Select); coding-DNA position 1888, G replaced by A.
Protein change: p.Gly630Arg; replaces glycine 630 with arginine.
Molecular consequence: missense variant.
Genome position (GRCh38, 1-based): chr5:128,376,815, C>T on the plus strand (G>A on the coding strand, the complement: FBN2 is on the minus strand). VCF-style: chr5-128376815-C-T. GRCh37 (hg19) VCF-style: chr5-127712508-C-T.
Other names: short protein forms G630R.
Identifiers: ClinVar variation 411810 (VCV000411810.1), dbSNP rs1060503499, ClinGen allele CA16611718.
Genomic context (GRCh38, chr5:128,376,815, plus strand): 5'-CCAAGACAAATCCTGGTTTGCAGATGCACTTGAAGCTGCCATCTTCATTGATGCACATTC[C>T]ATTCAAACACATGTTGGTAGTTGTACATTCATCATGATCTGCAGAAGAGGATTGAGTGAC-3'
Protein context (NP_001990.2, residues 620-640): ECTTTNMCLN[Gly630Arg]MCINEDGSFK

ClinVar aggregate classification (germline): Uncertain significance (1 of 4 stars; one submission).

Conditions:
Congenital contractural arachnodactyly (CCA). Also called: BEALS SYNDROME; Arthrogryposis, distal, type 9; Beals-Hecht syndrome. Identifiers: Orphanet 115, MedGen C0220668, MONDO:0007363, OMIM 121050.

gnomAD v4.1: 1 of 1,613,574 alleles (0.000062%); highest among the groups gnomAD compares: Non-Finnish European, 0.000085%; no homozygotes.

Submission:

Labcorp Genetics (formerly Invitae), Labcorp
Classification: Uncertain significance for Congenital contractural arachnodactyly. Last evaluated: 2016-04-04. Review status: criteria provided, single submitter. Criteria: Invitae Variant Classification Sherloc (09022015). Collection method: clinical testing. Allele origin: germline.
Comment: This sequence change replaces glycine with arginine at codon 630 of the FBN2 protein (p.Gly630Arg). The glycine residue is highly conserved and there is a moderate physicochemical difference between glycine and arginine. This variant is not present in population databases (ExAC no frequency) and has not been reported in the literature in individuals with a FBN2-related disease. Algorithms developed to predict the effect of missense changes on protein structure and function do not agree on the potential impact of this missense change (SIFT: "Deleterious"; PolyPhen-2: "Probably Damaging"; Align-GVGD: "Class C15"). In addition, algorithms developed to predict the effect of sequence changes on mRNA splicing suggest that this variant may alter mRNA splicing, but this prediction has not been confirmed by published transcriptional studies In summary, this variant is a novel missense change with uncertain impact on protein function and splicing. In the absence of functional or segregation data, at this time it has been classified as a Variant of Uncertain Significance.